The following is an entry in ClinVar:

NM_006859.4(LIAS):c.715del (p.Glu239fs)

Gene: LIAS (lipoic acid synthetase; plus strand). Cytogenetic location: 4p14.
Variant type: Deletion.
Coding change: c.715del on transcript NM_006859.4 (MANE Select); coding-DNA position 715, one base deleted (G; older notation c.715delG).
Protein change: p.Glu239fs; shifts the reading frame from glutamic acid 239.
Molecular consequence: frameshift variant. On other transcripts: intron variant (1).
Genome position (GRCh38, 1-based): chr4:39,467,624, G deleted. VCF-style (leftmost placement, unchanged base first): chr4-39467623-AG-A. GRCh37 (hg19) VCF-style: chr4-39469243-AG-A.
Other names: c.406del, p.Glu136fs (NM_001363700.2); c.715del, p.Glu239fs (NM_194451.3); c.608+2282del (NM_001278590.2); short protein forms E136fs, E239fs.
Identifiers: ClinVar variation 1050308 (VCV001050308.1), dbSNP rs1560669563, ClinGen allele CA550737131.

ClinVar aggregate classification (germline): Likely pathogenic (0 of 4 stars; one submission).

Allele frequency attached by ClinVar (database versions not stated): gnomAD exomes below 0.00001; TOPMed below 0.00001.

Submission:

Department of Pathology and Laboratory Medicine, Sinai Health System
Classification: Likely pathogenic. Review status: no assertion criteria provided. Collection method: clinical testing. Allele origin: unknown. Affected: yes. Study: The Canadian Open Genetics Repository (COGR).
Comment: The LIAS p.Glu239Lysfs*24 variant was not identified in the literature nor was it identified in dbSNP, ClinVar or LOVD 3.0. The variant was identified in control databases in 1 of 238732 chromosomes at a frequency of 0.000004189 (Genome Aggregation Database March 6, 2019, v2.1.1). The variant was observed in the European (non-Finnish) population in 1 of 110978 chromosomes (freq: 0.000009), but was not observed in the African, Latino, Ashkenazi Jewish, East Asian, European (Finnish), Other, or South Asian populations. The c.715del variant is predicted to cause a frameshift, which alters the protein's amino acid sequence beginning at codon 239 and leads to a premature stop codon 24 codons downstream. This alteration is then predicted to result in a truncated or absent protein and loss of function. Loss of function variants of the LIAS gene are an established mechanism of disease in pyruvate dehydrogenase lipoic acid synthetase deficiency and are the type of variant expected to cause the disorder when found in the homozygous or compound heterozygous state. In summary, based on the above information the clinical significance of this variant cannot be determined with certainty at this time although we would lean towards a more pathogenic role for this variant. This variant is classified as likely pathogenic.